The following is an entry in ClinVar:

NM_032217.5(ANKRD17):c.1637T>G (p.Phe546Cys)

Gene: ANKRD17 (ankyrin repeat domain 17; minus strand). Cytogenetic location: 4q13.3.
Variant type: single nucleotide variant.
Coding change: c.1637T>G on transcript NM_032217.5 (MANE Select); coding-DNA position 1637, T replaced by G.
Protein change: p.Phe546Cys; replaces phenylalanine 546 with cysteine.
Molecular consequence: missense variant.
Genome position (GRCh38, 1-based): chr4:73,147,363, A>C on the plus strand (T>G on the coding strand, the complement: ANKRD17 is on the minus strand). VCF-style: chr4-73147363-A-C. GRCh37 (hg19) VCF-style: chr4-74013080-A-C.
Other names: c.1298T>G, p.Phe433Cys (NM_001286771.3); c.1637T>G, p.Phe546Cys (NM_015574.2, NM_198889.3); short protein forms F433C, F546C.
Identifiers: ClinVar variation 3901579 (VCV003901579.1).
Genomic context (GRCh38, chr4:73,147,363, plus strand): 5'-GTAGAACACCCTAGTTCTATATCGGCTCCTGCCTTAATTAGAAAGTCTGCCACTTCCAGA[A>C]AGCCTCCACAGCAAGCCAGAGTCAAGGCAGTTTCTTGAGTTTCTTCTGTCTGTGCATTGA-3'
Protein context (NP_115593.3, residues 536-556): TALTLACCGG[Phe546Cys]LEVADFLIKA

ClinVar aggregate classification (germline): Uncertain significance (1 of 4 stars; one submission).

Submission:

GeneDx
Classification: Uncertain significance. Last evaluated: 2024-11-21. Review status: criteria provided, single submitter. Criteria: GeneDx Variant Classification Process June 2021. Collection method: clinical testing. Allele origin: germline. Affected: yes.
Comment: Not observed at significant frequency in large population cohorts (gnomAD); In silico analysis supports that this missense variant has a deleterious effect on protein structure/function; Has not been previously published as pathogenic or benign to our knowledge